The following is an entry in ClinVar:

NM_014112.5(TRPS1):c.1130C>T (p.Ala377Val)

Gene: TRPS1 (transcriptional repressor GATA binding 1; minus strand). Cytogenetic location: 8q23.3.
Variant type: single nucleotide variant.
Coding change: c.1130C>T on transcript NM_014112.5 (MANE Select); coding-DNA position 1130, C replaced by T.
Protein change: p.Ala377Val; replaces alanine 377 with valine.
Molecular consequence: missense variant.
Genome position (GRCh38, 1-based): chr8:115,604,839, G>A on the plus strand (C>T on the coding strand, the complement: TRPS1 is on the minus strand). VCF-style: chr8-115604839-G-A. GRCh37 (hg19) VCF-style: chr8-116617066-G-A.
Other names: c.1103C>T, p.Ala368Val (NM_001282902.3); c.1109C>T, p.Ala370Val (NM_001282903.3); c.1091C>T, p.Ala364Val (NM_001330599.2); short protein forms A364V, A368V, A370V, A377V.
Identifiers: ClinVar variation 2658769 (VCV002658769.27), dbSNP rs748446225, ClinGen allele CA4851878.
Genomic context (GRCh38, chr8:115,604,839, plus strand): 5'-GGGATGGACTTGTTAGAGTTTTTCTCTGAAGGTTTTGCAACCTCAGAGGAGGGGAGAGAA[G>A]CTTTTATTTTGTTTGGGTGAGTCTGAAGAAAATGTTGTTCTAATTCGGTGGATGAGTTGC-3'
Protein context (NP_054831.2, residues 367-387): FLQTHPNKIK[Ala377Val]SLPSSEVAKP

ClinVar aggregate classification (germline): Likely benign. Review status: criteria provided, multiple submitters, no conflicts (2 of 4 stars). 2 submissions from 2 submitters: Likely benign (2). Last evaluated 2024-06-20.

Conditions:
Trichorhinophalangeal dysplasia type I (TRPS1). Also called: TRICHORHINOPHALANGEAL SYNDROME, TYPE I; TRPS I. Identifiers: Orphanet 77258, MedGen C0432233, MONDO:0008596, OMIM 190350.
Trichorhinophalangeal syndrome, type III (TRPS3). Also called: SUGIO-KAJII SYNDROME. Identifiers: Orphanet 77258, MedGen C1860823, OMIM 190351, MONDO:0008597.

Allele frequency attached by ClinVar (database versions not stated): gnomAD 0.00001; TOPMed 0.00004.
gnomAD v4.1: 56 of 1,613,962 alleles (0.0035%); highest among the groups gnomAD compares: Admixed American, 0.01%; no homozygotes.

Submissions (2):

Labcorp Genetics (formerly Invitae), Labcorp
Classification: Likely benign for Trichorhinophalangeal syndrome, type III; Trichorhinophalangeal dysplasia type I. Last evaluated: 2024-06-20. Review status: criteria provided, single submitter. Criteria: Invitae Variant Classification Sherloc (09022015). Collection method: clinical testing. Allele origin: germline.

CeGaT Center for Human Genetics Tuebingen
Classification: Likely benign. Last evaluated: 2023-08-01. Review status: criteria provided, single submitter. Criteria: CeGaT Center For Human Genetics Tuebingen Variant Classification Criteria Version 2. Collection method: clinical testing. Allele origin: germline. Affected: yes. Observed: 1 variant allele.
Comment: TRPS1: BP4